The following is an entry in ClinVar:

NM_001735.3(C5):c.2608A>C (p.Ser870Arg)

Gene: C5 (complement C5; minus strand). Cytogenetic location: 9q33.2.
Variant type: single nucleotide variant.
Coding change: c.2608A>C on transcript NM_001735.3 (MANE Select); coding-DNA position 2608, A replaced by C.
Protein change: p.Ser870Arg; replaces serine 870 with arginine.
Molecular consequence: missense variant.
Genome position (GRCh38, 1-based): chr9:120,997,729, T>G on the plus strand (A>C on the coding strand, the complement: C5 is on the minus strand). VCF-style: chr9-120997729-T-G. GRCh37 (hg19) VCF-style: chr9-123760007-T-G.
Other names: c.2626A>C, p.Ser876Arg (NM_001317163.2); short protein forms S870R, S876R.
Identifiers: ClinVar variation 1483169 (VCV001483169.8), dbSNP rs1339433627, ClinGen allele CA374737320.

ClinVar aggregate classification (germline): Uncertain significance (1 of 4 stars; one submission).

gnomAD v4.1: 4 of 1,614,158 alleles (0.00025%); highest among the groups gnomAD compares: Non-Finnish European, 0.00025%; no homozygotes.

Submission:

Labcorp Genetics (formerly Invitae), Labcorp
Classification: Uncertain significance. Last evaluated: 2022-07-19. Review status: criteria provided, single submitter. Criteria: Invitae Variant Classification Sherloc (09022015). Collection method: clinical testing. Allele origin: germline.
Comment: This variant has not been reported in the literature in individuals affected with C5-related conditions. In summary, the available evidence is currently insufficient to determine the role of this variant in disease. Therefore, it has been classified as a Variant of Uncertain Significance. Algorithms developed to predict the effect of missense changes on protein structure and function (SIFT, PolyPhen-2, Align-GVGD) all suggest that this variant is likely to be tolerated. ClinVar contains an entry for this variant (Variation ID: 1483169). This variant is not present in population databases (gnomAD no frequency). This sequence change replaces serine, which is neutral and polar, with arginine, which is basic and polar, at codon 870 of the C5 protein (p.Ser870Arg).